The following is an entry in ClinVar:

NM_000397.4(CYBB):c.1689del (p.Phe563fs)

Gene: CYBB (cytochrome b-245 beta chain; plus strand). Cytogenetic location: Xp11.4.
Variant type: Deletion.
Coding change: c.1689del on transcript NM_000397.4 (MANE Select); coding-DNA position 1689, one base deleted (C; older notation c.1689delC).
Protein change: p.Phe563fs; shifts the reading frame from phenylalanine 563.
Molecular consequence: frameshift variant.
Genome position (GRCh38, 1-based): chrX:37,810,893, C deleted. VCF-style (leftmost placement, unchanged base first): chrX-37810892-TC-T. GRCh37 (hg19) VCF-style: chrX-37670145-TC-T.
Other names: c.1689delC (NM_000397.3); short protein forms F563fs.
Identifiers: ClinVar variation 646155 (VCV000646155.9), dbSNP rs1602186299, ClinGen allele CA915950928.

ClinVar aggregate classification (germline): Pathogenic (1 of 4 stars; one submission).

Conditions:
Granulomatous disease, chronic, X-linked. Also called: CYTOCHROME b-NEGATIVE GRANULOMATOUS DISEASE, CHRONIC, X-LINKED; GRANULOMATOUS DISEASE, CHRONIC, X-LINKED, SOMATIC MOSAIC. Identifiers: Orphanet 379, MedGen C1844376, MONDO:0010600, OMIM 306400.

Submission:

Labcorp Genetics (formerly Invitae), Labcorp
Classification: Pathogenic for Granulomatous disease, chronic, X-linked. Last evaluated: 2023-07-14. Review status: criteria provided, single submitter. Criteria: Invitae Variant Classification Sherloc (09022015). Collection method: clinical testing. Allele origin: germline.
Comment: This sequence change results in a frameshift in the CYBB gene (p.Phe563Leufs*14). While this is not anticipated to result in nonsense mediated decay, it is expected to disrupt the last 8 amino acid(s) of the CYBB protein and extend the protein by 5 additional amino acid residues. This variant is not present in population databases (gnomAD no frequency). This variant has not been reported in the literature in individuals affected with CYBB-related conditions. ClinVar contains an entry for this variant (Variation ID: 646155). This variant disrupts a region of the CYBB protein in which other variant(s) (p.Glu568Lys ) have been determined to be pathogenic (PMID: 10627478, 20724480; Invitae). This suggests that this is a clinically significant region of the protein, and that variants that disrupt it are likely to be disease-causing. For these reasons, this variant has been classified as Pathogenic.

Literature cited by the submitters: PubMed 10627478; PubMed 20724480.